The following is an entry in ClinVar:

ClinVar aggregate classification (germline): Pathogenic (1 of 4 stars; one submission).

Conditions:
Familial melanoma. Also called: Hereditary melanoma; Hereditary cutaneous melanoma. Identifiers: Orphanet 618, MedGen C1512419, MONDO:0018961.

Submission:

Labcorp Genetics (formerly Invitae), Labcorp
Classification: Pathogenic for Familial melanoma. Last evaluated: 2017-07-18. Review status: criteria provided, single submitter. Criteria: Invitae Variant Classification Sherloc (09022015). Collection method: clinical testing. Allele origin: germline.
Comment: The CDKN2A gene encodes two different proteins, p16INK4a and p14ARF, which are translated from alternative transcripts that have different open reading frames. This variant is a gross deletion of the genomic region encompassing exons 1 and 2 of the CDKN2A (p16INK4a) transcript, which includes the initiator codon, and exon 2 of the CDKN2A (p14ARF) transcript. The 5' end of this event is unknown, but is likely confined to the region between exon 1 of p16INK4a and exon 1 of p14ARF, as a copy number variation was not detected in exon 1 of the CDKN2A (p14ARF) transcript. The 3' boundary is likely confined to intron 2 of the CDKN2A (p16INK4a and p14ARF) transcripts. This is expected to result in absent or disrupted p16INK4a and p14ARF protein products. A similar gross deletion encompassing exon 2 of the CDKN2A (p14ARF) transcript has been reported in a family affected with familial melanoma (PMID: 18612309, 22841127). Loss-of-function variants in CDKN2A are known to be pathogenic (PMID: 15146471, 16905682). For these reasons, this variant has been classified as Pathogenic.

NC_000009.12:g.(?_21970896)_(21974833_?)del

Genes: CDKN2A (cyclin dependent kinase inhibitor 2A; minus strand), LOC130001603 (ATAC-STARR-seq lymphoblastoid silent region 19811; plus strand). Cytogenetic location: 9p21.3.
Variant type: Deletion.
Identifiers: ClinVar variation 463460 (VCV000463460.1).